The following is an entry in ClinVar:

NM_020458.4(TTC7A):c.2018-3C>T

Gene: TTC7A (tetratricopeptide repeat domain 7A; plus strand). Cytogenetic location: 2p21.
Variant type: single nucleotide variant.
Coding change: c.2018-3C>T on transcript NM_020458.4 (MANE Select); 3 bases into the intron before coding-DNA position 2018, C replaced by T.
Molecular consequence: intron variant.
Genome position (GRCh38, 1-based): chr2:47,051,743, C>T. VCF-style: chr2-47051743-C-T. GRCh37 (hg19) VCF-style: chr2-47278882-C-T.
Other names: c.1916-3C>T (NM_001288953.2); c.2090-3C>T (NM_001288951.2); c.956-3C>T (NM_001288955.2).
Identifiers: ClinVar variation 938550 (VCV000938550.10), dbSNP rs539326095, ClinGen allele CA1647981.

ClinVar aggregate classification (germline): Uncertain significance (1 of 4 stars; one submission).

Conditions:
Multiple gastrointestinal atresias. Also called: FAMILIAL INTESTINAL POLYATRESIA SYNDROME; Multiple intestinal atresia. Identifiers: Orphanet 2300, MedGen C0220744, MONDO:0009465.

Allele frequency attached by ClinVar (database versions not stated): gnomAD below 0.00001 and 0.00001; gnomAD exomes 0.00009; ExAC 0.00011.
gnomAD v4.1: 48 of 1,608,280 alleles (0.003%); highest among the groups gnomAD compares: South Asian, 0.05%; no homozygotes.

Submission:

Labcorp Genetics (formerly Invitae), Labcorp
Classification: Uncertain significance for Multiple gastrointestinal atresias. Last evaluated: 2024-10-25. Review status: criteria provided, single submitter. Criteria: Invitae Variant Classification Sherloc (09022015). Collection method: clinical testing. Allele origin: germline.
Comment: This sequence change falls in intron 17 of the TTC7A gene. It does not directly change the encoded amino acid sequence of the TTC7A protein. It affects a nucleotide within the consensus splice site. This variant is present in population databases (rs539326095, gnomAD 0.07%). This variant has not been reported in the literature in individuals affected with TTC7A-related conditions. ClinVar contains an entry for this variant (Variation ID: 938550). Variants that disrupt the consensus splice site are a relatively common cause of aberrant splicing (PMID: 17576681, 9536098). Algorithms developed to predict the effect of sequence changes on RNA splicing suggest that this variant is not likely to affect RNA splicing. In summary, the available evidence is currently insufficient to determine the role of this variant in disease. Therefore, it has been classified as a Variant of Uncertain Significance.

Literature cited by the submitters: PubMed 17576681; PubMed 9536098.